The following is an entry in ClinVar:

ClinVar aggregate classification (germline): Uncertain significance (1 of 4 stars; one submission).

Allele frequency attached by ClinVar (database versions not stated): gnomAD exomes below 0.00001.
gnomAD v4.1: 2 of 1,614,112 alleles (0.00012%); highest among the groups gnomAD compares: East Asian, 0.0022%; no homozygotes.

Submission:

CeGaT Center for Human Genetics Tuebingen
Classification: Uncertain significance. Last evaluated: 2023-11-01. Review status: criteria provided, single submitter. Criteria: CeGaT Center For Human Genetics Tuebingen Variant Classification Criteria Version 2. Collection method: clinical testing. Allele origin: germline. Affected: yes. Observed: 1 variant allele.
Comment: SMC3: PM2, PP2, PP3

NM_005445.4(SMC3):c.1930C>T (p.Arg644Cys)

Gene: SMC3 (structural maintenance of chromosomes 3; plus strand). Cytogenetic location: 10q25.2.
Variant type: single nucleotide variant.
Coding change: c.1930C>T on transcript NM_005445.4 (MANE Select); coding-DNA position 1930, C replaced by T.
Protein change: p.Arg644Cys; replaces arginine 644 with cysteine.
Molecular consequence: missense variant.
Genome position (GRCh38, 1-based): chr10:110,593,190, C>T. VCF-style: chr10-110593190-C-T. GRCh37 (hg19) VCF-style: chr10-112352948-C-T.
Other names: short protein forms R644C.
Identifiers: ClinVar variation 2672416 (VCV002672416.23), dbSNP rs868792707, ClinGen allele CA213241366.
Genomic context (GRCh38, chr10:110,593,190, plus strand): 5'-AAACATGTGTTTGGAAAGACTCTTATTTGTCGTAGCATGGAAGTTTCAACCCAGCTGGCC[C>T]GTGCTTTCACTATGGACTGTATTACTTTGGAAGGTTTGTAATACTAATTCTTAGCTTTAA-3'
Protein context (NP_005436.1, residues 634-654): RSMEVSTQLA[Arg644Cys]AFTMDCITLE